The following is an entry in ClinVar:

NM_018116.4(MSTO1):c.884C>T (p.Ser295Phe)

Gene: MSTO1 (misato mitochondrial distribution and morphology regulator 1; plus strand). Cytogenetic location: 1q22.
Variant type: single nucleotide variant.
Coding change: c.884C>T on transcript NM_018116.4 (MANE Select); coding-DNA position 884, C replaced by T.
Protein change: p.Ser295Phe; replaces serine 295 with phenylalanine.
Molecular consequence: missense variant. On other transcripts: non-coding transcript variant (6).
Genome position (GRCh38, 1-based): chr1:155,612,488, C>T. VCF-style: chr1-155612488-C-T. GRCh37 (hg19) VCF-style: chr1-155582279-C-T.
Other names: c.884C>T, p.Ser295Phe (NM_001256532.1, NM_001256533.1, NM_001350772.1 and 3 more transcripts); c.719C>T, p.Ser240Phe (NM_001350776.1); c.353C>T, p.Ser118Phe (NM_001350777.1, NM_001350778.1, NM_001350779.1); c.350C>T, p.Ser117Phe (NM_001350780.1, NM_001350781.1, NM_001350782.1 and 3 more transcripts); c.341C>T, p.Ser114Phe (NM_001350784.1, NM_001350785.1, NM_001350787.1 and 1 more transcripts); short protein forms S114F, S117F, S118F, S240F, S295F.
Identifiers: ClinVar variation 1334804 (VCV001334804.4), dbSNP rs759414031, ClinGen allele CA1148052.

ClinVar aggregate classification (germline): Uncertain significance (1 of 4 stars; one submission).

gnomAD v4.1: 2 of 1,613,960 alleles (0.00012%); highest among the groups gnomAD compares: African/African-American, 0.0013%; no homozygotes.

Submission:

Genetic Services Laboratory, University of Chicago
Classification: Uncertain significance. Last evaluated: 2020-08-10. Review status: criteria provided, single submitter. Criteria: ACMG Guidelines, 2015. Collection method: clinical testing. Allele origin: germline. Affected: no.
Comment: The sequence change, c.884C>T in exon 9, results in an amino acid change, p.Ser295Phe. This sequence change has been described in the gnomAD database with a low population frequency of 0.0007072% (dbSNP rs759414031). The p.Ser295Phe change affects a highly conserved amino acid residue located in a domain of the MSTO1 protein that is known to be functional. In-silico pathogenicity prediction tools (SIFT, PolyPhen2, Align GVGD, REVEL) provide contradictory results for the p.Ser295Phe substitution. This sequence change does not appear to have been previously described in patients with MSTO1-related disorders. Due to the lack of sufficient evidences and functional studies, the clinical significance of the p.Ser295Phe change remains unknown at this time.